The following is an entry in ClinVar:

NM_032638.5(GATA2):c.595G>A (p.Gly199Arg)

Gene: GATA2 (GATA binding protein 2; minus strand). Cytogenetic location: 3q21.3.
Variant type: single nucleotide variant.
Coding change: c.595G>A on transcript NM_032638.5 (MANE Select); coding-DNA position 595, G replaced by A.
Protein change: p.Gly199Arg; replaces glycine 199 with arginine.
Molecular consequence: missense variant.
Genome position (GRCh38, 1-based): chr3:128,486,003, C>T on the plus strand (G>A on the coding strand, the complement: GATA2 is on the minus strand). VCF-style: chr3-128486003-C-T. GRCh37 (hg19) VCF-style: chr3-128204846-C-T.
Other names: c.595G>A, p.Gly199Arg (NM_001145662.1, NM_001145661.2); short protein forms G199R.
Identifiers: ClinVar variation 4262107 (VCV004262107.1).

ClinVar aggregate classification (germline): Uncertain significance (1 of 4 stars; one submission).

Conditions:
Inborn genetic diseases. Identifiers: MedGen C0950123, MeSH D030342.

Submission:

Ambry Genetics
Classification: Uncertain significance for Inborn genetic diseases. Last evaluated: 2025-06-20. Review status: criteria provided, single submitter. Criteria: Ambry Variant Classification Scheme 2023. Collection method: clinical testing. Allele origin: germline.
Comment: The p.G199R variant (also known as c.595G>A), located in coding exon 2 of the GATA2 gene, results from a G to A substitution at nucleotide position 595. The glycine at codon 199 is replaced by arginine, an amino acid with dissimilar properties. This amino acid position is conserved. In addition, this alteration is predicted to be deleterious by in silico analysis. Based on the available evidence, the clinical significance of this variant remains unclear.